The following is an entry in ClinVar:

ClinVar aggregate classification (germline): Uncertain significance (1 of 4 stars; one submission).

Submission:

GeneDx
Classification: Uncertain significance. Last evaluated: 2022-01-07. Review status: criteria provided, single submitter. Criteria: GeneDx Variant Classification Process June 2021. Collection method: clinical testing. Allele origin: germline. Affected: yes.
Comment: Not observed at significant frequency in large population cohorts (gnomAD); In silico analysis supports that this missense variant does not alter protein structure/function; Has not been previously published as pathogenic or benign to our knowledge

NM_006545.5(NPRL2):c.531T>A (p.Phe177Leu)

Gene: NPRL2 (NPR2 like, GATOR1 complex subunit; minus strand). Cytogenetic location: 3p21.31.
Variant type: single nucleotide variant.
Coding change: c.531T>A on transcript NM_006545.5 (MANE Select); coding-DNA position 531, T replaced by A.
Protein change: p.Phe177Leu; replaces phenylalanine 177 with leucine.
Molecular consequence: missense variant.
Genome position (GRCh38, 1-based): chr3:50,348,928, A>T on the plus strand (T>A on the coding strand, the complement: NPRL2 is on the minus strand). VCF-style: chr3-50348928-A-T. GRCh37 (hg19) VCF-style: chr3-50386359-A-T.
Other names: short protein forms F177L.
Identifiers: ClinVar variation 1695442 (VCV001695442.2), dbSNP rs1190057760, ClinGen allele CA352950444.